The following is an entry in ClinVar:

ClinVar aggregate classification (germline): Likely pathogenic (1 of 4 stars; one submission).

Conditions:
X-linked lymphoproliferative disease due to SH2D1A deficiency (XLP1). Also called: DUNCAN DISEASE; IMMUNODEFICIENCY 5; IMMUNODEFICIENCY, X-LINKED PROGRESSIVE COMBINED VARIABLE; INFECTIOUS MONONUCLEOSIS, SEVERE, SUSCEPTIBILITY TO; PURTILO SYNDROME; SH2D1A-Related Lymphoproliferative Disease, X-Linked. Identifiers: Orphanet 2442, Orphanet 538931, MedGen C5399825, MONDO:0024551, OMIM 308240.

Submission:

Centro de Investigaciones en Bioquimica Clinica e Inmunologia, Consejo Nacional de Investigaciones Científicas y Técnicas
Classification: Likely pathogenic for X-linked lymphoproliferative disease due to SH2D1A deficiency. Last evaluated: 2026-05-20. Review status: criteria provided, single submitter. Criteria: ACMG Guidelines, 2015. Collection method: research. Allele origin: germline. Inheritance: X-linked recessive inheritance. Affected: yes.
Comment: The variant is absent from the gnomAD population database (PM2_Supporting). Computational prediction using REVEL indicates a deleterious effect (score = 0.96; PP3_Strong). The patient’s clinical presentation and family history were highly suggestive of a monogenic X-linked immunological disorder with a well-established genetic etiology, further supporting the clinical relevance of the identified SH2D1A variant (PP4). Family segregation studies showed that the c.229T>A variant segregates with the disease in multiple affected male patients and in multiple asymptomatic female carriers over successive generations, which is consistent with the expected X-linked inheritance pattern for SH2D1A-related disease (PP1_Moderate). According to the ACMG guidelines (Tavtigian et al. Hum Mutat. 2020), the c.229T>A variant was classified as likely pathogenic

NM_002351.5(SH2D1A):c.229T>A (p.Phe77Ile)

Gene: SH2D1A (SH2 domain containing 1A; plus strand). Cytogenetic location: Xq25.
Variant type: single nucleotide variant.
Coding change: c.229T>A on transcript NM_002351.5 (MANE Select); coding-DNA position 229, T replaced by A.
Protein change: p.Phe77Ile; replaces phenylalanine 77 with isoleucine.
Molecular consequence: missense variant.
Genome position (GRCh38, 1-based): chrX:124,370,203, T>A. VCF-style: chrX-124370203-T-A. GRCh37 (hg19) VCF-style: chrX-123504053-T-A.
Other names: c.229T>A, p.Phe77Ile (NM_001114937.3); short protein forms F77I.
Identifiers: ClinVar variation 4852131 (VCV004852131.1).